The following is an entry in ClinVar:

ClinVar aggregate classification (germline): Uncertain significance (1 of 4 stars; one submission).

Submission:

Ambry Genetics
Classification: Uncertain significance. Last evaluated: 2025-06-05. Review status: criteria provided, single submitter. Criteria: Ambry Variant Classification Scheme 2023. Collection method: clinical testing. Allele origin: germline.
Comment: The p.A1252V variant (also known as c.3755C>T), located in coding exon 13 of the CDK12 gene, results from a C to T substitution at nucleotide position 3755. The alanine at codon 1252 is replaced by valine, an amino acid with similar properties. This amino acid position is conserved. In addition, this alteration is predicted to be tolerated by in silico analysis. Based on the available evidence, the clinical significance of this variant remains unclear.

NM_016507.4(CDK12):c.3755C>T (p.Ala1252Val)

Gene: CDK12 (cyclin dependent kinase 12; plus strand). Cytogenetic location: 17q12.
Variant type: single nucleotide variant.
Coding change: c.3755C>T on transcript NM_016507.4 (MANE Select); coding-DNA position 3755, C replaced by T.
Protein change: p.Ala1252Val; replaces alanine 1252 with valine.
Molecular consequence: missense variant.
Genome position (GRCh38, 1-based): chr17:39,526,311, C>T. VCF-style: chr17-39526311-C-T. GRCh37 (hg19) VCF-style: chr17-37682564-C-T.
Other names: c.3755C>T, p.Ala1252Val (NM_015083.4); short protein forms A1252V.
Identifiers: ClinVar variation 3999535 (VCV003999535.1).